The following is an entry in ClinVar:

NC_000017.10:g.(?_41267723)_(41267816_?)del

Gene: BRCA1 (BRCA1 DNA repair associated; minus strand). Cytogenetic location: 17q21.31.
Variant type: Deletion.
Identifiers: ClinVar variation 1076990 (VCV001076990.2).

ClinVar aggregate classification (germline): Pathogenic (1 of 4 stars; one submission).

Conditions:
Hereditary breast ovarian cancer syndrome. Also called: Hereditary breast and ovarian cancer; Breast and ovarian cancer; BRCA1- and BRCA2-Associated Hereditary Breast and Ovarian Cancer; Hereditary breast and/or ovarian cancer syndrome; Hereditary breast and ovarian cancer syndrome; Hereditary breast and ovarian cancer syndrome (HBOC). Identifiers: Orphanet 145, MedGen C0677776, MeSH D061325, MONDO:0003582. Disease mechanism: loss of function.

Submission:

Labcorp Genetics (formerly Invitae), Labcorp
Classification: Pathogenic for Hereditary breast ovarian cancer syndrome. Last evaluated: 2022-10-16. Review status: criteria provided, single submitter. Criteria: Invitae Variant Classification Sherloc (09022015). Collection method: clinical testing. Allele origin: germline.
Comment: This variant is a gross deletion of the genomic region encompassing exon(s) 3 of the BRCA1 gene. This deletion is out-of-frame, and is expected to create a premature termination codon and result in an absent or disrupted protein product. Loss-of-function variants in BRCA1 are known to be pathogenic (PMID: 20104584). A similar copy number variant has been observed in individuals with breast and ovarian cancer (PMID: 10918394, 15863663, 16551709, 22473970, 24916180). For these reasons, this variant has been classified as Pathogenic.

Literature cited by the submitters: PubMed 20104584; PubMed 10918394; PubMed 15863663; PubMed 16551709; PubMed 22473970; PubMed 24916180.